The following is an entry in ClinVar:

ClinVar aggregate classification (germline): Uncertain significance (1 of 4 stars; one submission).

Submission:

Labcorp Genetics (formerly Invitae), Labcorp
Classification: Uncertain significance. Last evaluated: 2025-11-24. Review status: criteria provided, single submitter. Criteria: Invitae Variant Classification Sherloc (09022015). Collection method: clinical testing. Allele origin: germline.
Comment: This sequence change replaces tryptophan, which is neutral and slightly polar, with cysteine, which is neutral and slightly polar, at codon 874 of the AP3D1 protein (p.Trp874Cys). This variant is not present in population databases (gnomAD no frequency). This variant has not been reported in the literature in individuals affected with AP3D1-related conditions. An algorithm developed to predict the effect of missense changes on protein structure and function (PolyPhen-2) suggests that this variant is likely to be disruptive. In summary, the available evidence is currently insufficient to determine the role of this variant in disease. Therefore, it has been classified as a Variant of Uncertain Significance.

NM_001261826.3(AP3D1):c.2622G>T (p.Trp874Cys)

Gene: AP3D1 (adaptor related protein complex 3 subunit delta 1; minus strand). Cytogenetic location: 19p13.3.
Variant type: single nucleotide variant.
Coding change: c.2622G>T on transcript NM_001261826.3 (MANE Select); coding-DNA position 2622, G replaced by T.
Protein change: p.Trp874Cys; replaces tryptophan 874 with cysteine.
Molecular consequence: missense variant. On other transcripts: intron variant (1).
Genome position (GRCh38, 1-based): chr19:2,113,393, C>A on the plus strand (G>T on the coding strand, the complement: AP3D1 is on the minus strand). VCF-style: chr19-2113393-C-A. GRCh37 (hg19) VCF-style: chr19-2113392-C-A.
Other names: c.2622G>T, p.Trp874Cys (NM_001374799.1); c.2601+732G>T (NM_003938.8); short protein forms W874C.
Identifiers: ClinVar variation 4730845 (VCV004730845.1).